The following is an entry in ClinVar:

ClinVar aggregate classification (germline): Likely benign. Review status: criteria provided, multiple submitters, no conflicts (2 of 4 stars). 2 submissions from 2 submitters: Likely benign (2). Last evaluated 2025-02-25.

Conditions:
Multiple endocrine neoplasia, type 2 (MEN2). Identifiers: Orphanet 653, MedGen C4048306, MONDO:0019003. Disease mechanism: gain of function.
Multiple endocrine neoplasia type 2A. Also called: Multiple Endocrine Neoplasia Type 2A (MEN2A); MULTIPLE ENDOCRINE NEOPLASIA, TYPE IIA; PTC SYNDROME; SIPPLE SYNDROME; MEN 2A; MEN-2A syndrome. Identifiers: Orphanet 247698, Orphanet 653, MedGen C0025268, MeSH D018813, MONDO:0008234, OMIM 171400.

Allele frequency attached by ClinVar (database versions not stated): gnomAD exomes below 0.00001.
gnomAD v4.1: 1 of 1,595,436 alleles (0.000063%); highest among the groups gnomAD compares: Admixed American, 0.0017%; no homozygotes.

Submissions (2):

Myriad Genetics, Inc.
Classification: Likely benign for Multiple endocrine neoplasia type 2A. Last evaluated: 2025-02-25. Review status: criteria provided, single submitter. Criteria: Myriad Autosomal Dominant, Autosomal Recessive and X-Linked Classification Criteria (2023). Collection method: clinical testing. Allele origin: unknown.
Comment: This variant is considered likely benign. This variant is intronic and is not expected to impact mRNA splicing.

Labcorp Genetics (formerly Invitae), Labcorp
Classification: Likely benign for Multiple endocrine neoplasia, type 2. Last evaluated: 2024-01-16. Review status: criteria provided, single submitter. Criteria: Invitae Variant Classification Sherloc (09022015). Collection method: clinical testing. Allele origin: germline.

NM_020975.6(RET):c.1523-12T>C

Gene: RET (ret proto-oncogene; plus strand). Cytogenetic location: 10q11.21.
Variant type: single nucleotide variant.
Coding change: c.1523-12T>C on transcript NM_020975.6 (MANE Select); 12 bases into the intron before coding-DNA position 1523, T replaced by C.
Molecular consequence: intron variant.
Genome position (GRCh38, 1-based): chr10:43,112,087, T>C. VCF-style: chr10-43112087-T-C. GRCh37 (hg19) VCF-style: chr10-43607535-T-C.
Other names: c.1523-12T>C (NM_020630.7, NM_001406743.1, NM_001406744.1 and 4 more transcripts); c.1127-12T>C (NM_001406772.1, NM_001406769.1); c.1085-12T>C (NM_001406773.1, NM_001406771.1); c.626-12T>C (NM_001406782.1, NM_001406780.1, NM_001406779.1 and 3 more transcripts); c.1394-12T>C (NM_001406764.1, NM_001406762.1, NM_001406761.1 and 1 more transcripts); c.998-12T>C (NM_001406774.1); c.497-12T>C (NM_001406786.1, NM_001406783.1); c.1235-12T>C (NM_001406770.1, NM_001406766.1, NM_001406767.1); and 5 more.
Identifiers: ClinVar variation 1605751 (VCV001605751.10), dbSNP rs1429462039, ClinGen allele CA592894662.
Genomic context (GRCh38, chr10:43,112,087, plus strand): 5'-CTGTCCTTGGGCACTAGCTGGACGCTGGGCCCAGGCCAGCCCCCTGTGACCCTGCTTGTC[T>C]GCCACCTGCAGATGTGGCCGAGGAGGCGGGCTGCCCCCTGTCCTGTGCAGTCAGCAAGAG-3'